The following is an entry in ClinVar:

ClinVar aggregate classification (germline): Likely benign. Review status: criteria provided, multiple submitters, no conflicts (2 of 4 stars). 3 submissions from 3 submitters: Likely benign (3). Last evaluated 2026-03-27.

Conditions:
Catecholaminergic polymorphic ventricular tachycardia 5 (CARDAR). Also called: Ventricular tachycardia, catecholaminergic polymorphic, 5, with or without muscle weakness; CARDIAC ARRHYTHMIA SYNDROME, WITH OR WITHOUT SKELETAL MUSCLE WEAKNESS. Identifiers: Orphanet 3286, MedGen C3809536, MONDO:0014191, OMIM 615441.
Catecholaminergic polymorphic ventricular tachycardia 1. Also called: VENTRICULAR TACHYCARDIA, CATECHOLAMINERGIC POLYMORPHIC, 1, WITH OR WITHOUT ATRIAL DYSFUNCTION AND/OR DILATED CARDIOMYOPATHY; RYR2-Related Catecholaminergic Polymorphic Ventricular Tachycardia; VENTRICULAR TACHYCARDIA, STRESS-INDUCED POLYMORPHIC 1. Identifiers: Orphanet 3286, MedGen C1631597, MONDO:0011484, OMIM 604772.

Allele frequency attached by ClinVar (database versions not stated): gnomAD 0.00002; TOPMed 0.00005; gnomAD exomes 0.00006 and 0.00010.
gnomAD v4.1: 143 of 1,477,580 alleles (0.0097%); highest among the groups gnomAD compares: Non-Finnish European, 0.012%; no homozygotes.

Submissions (3):

Molecular Diagnostic Laboratory for Inherited Cardiovascular Disease, Montreal Heart Institute
Classification: Likely benign. Last evaluated: 2026-03-27. Review status: criteria provided, single submitter. Criteria: ACMG Guidelines, 2015. Collection method: clinical testing. Allele origin: germline. Affected: no.
Comment: PM2

Labcorp Genetics (formerly Invitae), Labcorp
Classification: Likely benign for Catecholaminergic polymorphic ventricular tachycardia 1. Last evaluated: 2026-01-26. Review status: criteria provided, single submitter. Criteria: Invitae Variant Classification Sherloc (09022015). Collection method: clinical testing. Allele origin: germline.

ARUP Laboratories, Molecular Genetics and Genomics, ARUP Laboratories
Classification: Likely benign for Catecholaminergic polymorphic ventricular tachycardia 5. Last evaluated: 2024-10-29. Review status: criteria provided, single submitter. Criteria: ARUP Molecular Germline Variant Investigation Process 2024. Collection method: clinical testing. Allele origin: germline.

NM_006073.4(TRDN):c.485-7T>C

Gene: TRDN (triadin; minus strand). Cytogenetic location: 6q22.31.
Variant type: single nucleotide variant.
Coding change: c.485-7T>C on transcript NM_006073.4 (MANE Select); 7 bases into the intron before coding-DNA position 485, T replaced by C.
Molecular consequence: intron variant.
Genome position (GRCh38, 1-based): chr6:123,516,213, A>G on the plus strand (T>C on the coding strand, the complement: TRDN is on the minus strand). VCF-style: chr6-123516213-A-G. GRCh37 (hg19) VCF-style: chr6-123837358-A-G.
Other names: c.485-7T>C (NM_001251987.2, NM_001256020.2, NM_001256021.2).
Identifiers: ClinVar variation 695813 (VCV000695813.14), dbSNP rs921833812, ClinGen allele CA147290187.